The following is an entry in ClinVar:

NM_003640.5(ELP1):c.2131-113T>G

Gene: ELP1 (elongator acetyltransferase complex subunit 1; minus strand). Cytogenetic location: 9q31.3.
Variant type: single nucleotide variant.
Coding change: c.2131-113T>G on transcript NM_003640.5 (MANE Select); 113 bases into the intron before coding-DNA position 2131, T replaced by G.
Molecular consequence: intron variant.
Genome position (GRCh38, 1-based): chr9:108,900,008, A>C on the plus strand (T>G on the coding strand, the complement: ELP1 is on the minus strand). VCF-style: chr9-108900008-A-C. GRCh37 (hg19) VCF-style: chr9-111662288-A-C.
Other names: c.1789-113T>G (NM_001318360.2); c.1084-113T>G (NM_001330749.2).
Identifiers: ClinVar variation 681910 (VCV000681910.2), dbSNP rs55969525, ClinGen allele CA197536764.

ClinVar aggregate classification (germline): Benign. Review status: criteria provided, multiple submitters, no conflicts (2 of 4 stars). 2 submissions from 2 submitters: Benign (2). Last evaluated 2018-06-14.

Allele frequency attached by ClinVar (database versions not stated): gnomAD exomes 0.05742; 1000 Genomes Project 0.08886; 1000 Genomes Project 30x 0.09385; gnomAD 0.09719 and 0.10200; TOPMed 0.09960.
gnomAD v4.1: 59,165 of 925,228 alleles (6.4%); highest among the groups gnomAD compares: African/African-American, 20%; 2,776 homozygotes.

Submissions (2):

GeneDx
Classification: Benign. Last evaluated: 2018-06-14. Review status: criteria provided, single submitter. Criteria: GeneDx Variant Classification (06012015). Collection method: clinical testing. Allele origin: germline. Affected: yes.
Comment: This variant is considered likely benign or benign based on one or more of the following criteria: it is a conservative change, it occurs at a poorly conserved position in the protein, it is predicted to be benign by multiple in silico algorithms, and/or has population frequency not consistent with disease.

Breakthrough Genomics
Classification: Benign. Review status: criteria provided, single submitter. Criteria: ACMG Guidelines, 2015. Collection method: not provided. Allele origin: germline. Inheritance: Autosomal recessive inheritance. Affected: yes.